The following is an entry in ClinVar:

NM_014989.7(RIMS1):c.905A>C (p.Glu302Ala)

Gene: RIMS1 (regulating synaptic membrane exocytosis 1; plus strand). Cytogenetic location: 6q13.
Variant type: single nucleotide variant.
Coding change: c.905A>C on transcript NM_014989.7 (MANE Select); coding-DNA position 905, A replaced by C.
Protein change: p.Glu302Ala; replaces glutamic acid 302 with alanine.
Molecular consequence: missense variant.
Genome position (GRCh38, 1-based): chr6:72,182,376, A>C. VCF-style: chr6-72182376-A-C. GRCh37 (hg19) VCF-style: chr6-72892079-A-C.
Other names: short protein forms E302A.
Identifiers: ClinVar variation 1023779 (VCV001023779.9), dbSNP rs2048516807, ClinGen allele CA364819748.
Genomic context (GRCh38, chr6:72,182,376, plus strand): 5'-GCAAAGGAGCCCTGAAGAGCGAGCGGAAACGCGTGCCAAAGACCTCAGCGCAGCCCGTGG[A>C]GGGGGCCGTCGAAGAACGGGAGCGCAAAGAAAGGCGGGAAAGCCGAAGGCTTGAGAAAGG-3'
Protein context (NP_055804.2, residues 292-312): RVPKTSAQPV[Glu302Ala]GAVEERERKE

ClinVar aggregate classification (germline): Uncertain significance (1 of 4 stars; one submission).

Allele frequency attached by ClinVar (database versions not stated): gnomAD exomes below 0.00001.
gnomAD v4.1: 1 of 1,613,900 alleles (0.000062%); highest among the groups gnomAD compares: South Asian, 0.0011%; no homozygotes.

Submission:

Labcorp Genetics (formerly Invitae), Labcorp
Classification: Uncertain significance. Last evaluated: 2020-03-27. Review status: criteria provided, single submitter. Criteria: Invitae Variant Classification Sherloc (09022015). Collection method: clinical testing. Allele origin: germline.
Comment: In summary, the available evidence is currently insufficient to determine the role of this variant in disease. Therefore, it has been classified as a Variant of Uncertain Significance. Algorithms developed to predict the effect of missense changes on protein structure and function are either unavailable or do not agree on the potential impact of this missense change (SIFT: "Deleterious"; PolyPhen-2: "Benign"; Align-GVGD: "Class C65"). This variant has not been reported in the literature in individuals with RIMS1-related conditions. This variant is not present in population databases (ExAC no frequency). This sequence change replaces glutamic acid with alanine at codon 302 of the RIMS1 protein (p.Glu302Ala). The glutamic acid residue is highly conserved and there is a moderate physicochemical difference between glutamic acid and alanine.